The following is an entry in ClinVar:

NM_206933.4(USH2A):c.926del (p.Pro309fs)

Gene: USH2A (usherin; minus strand). Cytogenetic location: 1q41.
Variant type: Deletion.
Coding change: c.926del on transcript NM_206933.4 (MANE Select); coding-DNA position 926, one base deleted (C; older notation c.926delC).
Protein change: p.Pro309fs; shifts the reading frame from proline 309.
Molecular consequence: frameshift variant.
Genome position (GRCh38, 1-based): chr1:216,325,522, G deleted on the plus strand (C on the coding strand, the reverse complement: USH2A is on the minus strand); the first of 3 consecutive G bases (chr1:216,325,522-216,325,524); deleting any one gives the same sequence. VCF-style (leftmost placement, unchanged base first): chr1-216325521-CG-C. GRCh37 (hg19) VCF-style: chr1-216498863-CG-C.
Other names: c.926del, p.Pro309fs (NM_007123.6); short protein forms P309fs.
Identifiers: ClinVar variation 4062542 (VCV004062542.2).
Genomic context (GRCh38, chr1:216,325,521, plus strand): 5'-ATCAGCTGTGTCTCCTGCATCATTAGGAATGCAGTACCGCTGTGCCAAAGGGTGGACCCG[CG>C]GGTGGCTGCCAGGGCAACGGCAATGTGATTGGGCATGCAATCTGAGAAGATCTCCAGAGA-3'

ClinVar aggregate classification (germline): Likely pathogenic (1 of 4 stars; one submission).

Conditions:
Usher syndrome type 2A. Also called: RETINAL DISEASE IN USHER SYNDROME TYPE IIA, MODIFIER OF; USHER SYNDROME, TYPE IIA. Identifiers: Orphanet 231178, Orphanet 886, MedGen C1848634, MONDO:0010169, OMIM 276901.

Submission:

Natera, Inc.
Classification: Likely pathogenic for Usher syndrome type 2A. Last evaluated: 2025-05-29. Review status: criteria provided, single submitter. Criteria: Natera Variant Classification Schema (03/2026). Collection method: clinical testing. Allele origin: germline.
Comment: The c.926del variant in USH2A is a frameshift variant predicted to shift the reading frame beginning at codon 309 and leads to a stop codon 27 codons downstream. This variant is expected to result in nonsense mediated decay, truncation, or a dysfunctional protein product. This variant is rare in the general population with a frequency below the threshold expected for the associated phenotype(s). Given the available evidence, this variant is classified as Likely Pathogenic.